The following is an entry in ClinVar:

ClinVar aggregate classification (germline): Pathogenic/Likely pathogenic. Review status: criteria provided, multiple submitters, no conflicts (2 of 4 stars). 4 submissions from 4 submitters: Pathogenic (3); Likely pathogenic (1). Last evaluated 2025-02-06.

Conditions:
IMPG1-related disorder. Also called: IMPG1-related condition.

Submissions (4):

Labcorp Genetics (formerly Invitae), Labcorp
Classification: Pathogenic. Last evaluated: 2025-02-06. Review status: criteria provided, single submitter. Criteria: Invitae Variant Classification Sherloc (09022015). Collection method: clinical testing. Allele origin: germline.
Comment: This sequence change creates a premature translational stop signal (p.Met51Asnfs*29) in the IMPG1 gene. It is expected to result in an absent or disrupted protein product. Loss-of-function variants in IMPG1 are known to be pathogenic (PMID: 23993198). This variant is present in population databases (rs761247695, gnomAD 0.004%). This variant has not been reported in the literature in individuals affected with IMPG1-related conditions. ClinVar contains an entry for this variant (Variation ID: 1275815). For these reasons, this variant has been classified as Pathogenic.

CeGaT Center for Human Genetics Tuebingen
Classification: Pathogenic. Last evaluated: 2024-09-01. Review status: criteria provided, single submitter. Criteria: CeGaT Center For Human Genetics Tuebingen Variant Classification Criteria Version 2. Collection method: clinical testing. Allele origin: germline. Affected: yes. Observed: 1 variant allele.
Comment: IMPG1: PVS1, PM2:Supporting, PS4:Supporting

Blueprint Genetics
Classification: Likely pathogenic for IMPG1-related disorders. Last evaluated: 2023-11-21. Review status: criteria provided, single submitter. Criteria: ACMG Guidelines, 2015. Collection method: clinical testing. Allele origin: germline. Affected: yes. Observed: 3 variant alleles.

Institute of Medical Genetics and Applied Genomics, University Hospital Tübingen
Classification: Pathogenic. Last evaluated: 2021-09-15. Review status: criteria provided, single submitter. Criteria: ACMG Guidelines, 2015. Collection method: clinical testing. Allele origin: germline. Inheritance: Autosomal dominant inheritance. Affected: yes.

Literature cited by the submitters: PubMed 23993198 (cited by Labcorp Genetics (formerly Invitae), Labcorp).

NM_001563.4(IMPG1):c.151dup (p.Met51fs)

Gene: IMPG1 (interphotoreceptor matrix proteoglycan 1; minus strand). Cytogenetic location: 6q14.1.
Variant type: Duplication.
Coding change: c.151dup on transcript NM_001563.4 (MANE Select); coding-DNA position 151, one base duplicated (A; older notation c.151dupA).
Protein change: p.Met51fs; shifts the reading frame from methionine 51.
Molecular consequence: frameshift variant. On other transcripts: intron variant (1).
Genome position (GRCh38, 1-based): chr6:76,042,043, T duplicated on the plus strand (A on the coding strand, the reverse complement: IMPG1 is on the minus strand); the first of 6 consecutive T bases (chr6:76,042,043-76,042,048); duplicating any one gives the same sequence. VCF-style (leftmost placement, unchanged base first): chr6-76042042-A-AT. GRCh37 (hg19) VCF-style: chr6-76751759-A-AT.
Other names: c.68-7261dup (NM_001282368.2); short protein forms M51fs.
Identifiers: ClinVar variation 1275815 (VCV001275815.22), dbSNP rs761247695, ClinGen allele CA3898633.